The following is an entry in ClinVar:

NM_000155.4(GALT):c.307C>T (p.Gln103Ter)

Gene: GALT (galactose-1-phosphate uridylyltransferase; plus strand). Cytogenetic location: 9p13.3.
Variant type: single nucleotide variant.
Coding change: c.307C>T on transcript NM_000155.4 (MANE Select); coding-DNA position 307, C replaced by T.
Protein change: p.Gln103Ter; replaces glutamine 103 with a stop codon.
Molecular consequence: nonsense. On other transcripts: intron variant (1).
Genome position (GRCh38, 1-based): chr9:34,647,546, C>T. VCF-style: chr9-34647546-C-T. GRCh37 (hg19) VCF-style: chr9-34647543-C-T.
Other names: c.51-286C>T (NM_001258332.2); short protein forms Q103*.
Identifiers: ClinVar variation 498560 (VCV000498560.12), dbSNP rs1225091358, ClinGen allele CA373280033.

ClinVar aggregate classification (germline): Pathogenic/Likely pathogenic. Review status: criteria provided, multiple submitters, no conflicts (2 of 4 stars). 5 submissions from 5 submitters: Pathogenic (2); Likely pathogenic (2). 1 of the submissions does not count toward it. Last evaluated 2025-03-24.

Conditions:
Galactosemia. Also called: Galactose intolerance. Identifiers: Orphanet 352, MedGen C0016952, MONDO:0018116, HP:0004919. Disease mechanism: loss of function.
Deficiency of UDPglucose-hexose-1-phosphate uridylyltransferase. Also called: Transferase Deficiency Galactosemia; GALT deficiency; Galactosemia, classic; GALACTOSEMIA I; GALACTOSE-1-PHOSPHATE URIDYLYLTRANSFERASE DEFICIENCY. Identifiers: Orphanet 352, Orphanet 79239, MedGen C0268151, MONDO:0009258, OMIM 230400.

Allele frequency attached by ClinVar (database versions not stated): gnomAD exomes below 0.00001; gnomAD 0.00001; TOPMed 0.00002.
gnomAD v4.1: 2 of 1,614,064 alleles (0.00012%); highest among the groups gnomAD compares: African/African-American, 0.0027%; no homozygotes.

Submissions (5):

Natera, Inc.
Classification: Likely pathogenic for Galactosemia. Last evaluated: 2025-03-24. Review status: criteria provided, single submitter. Criteria: Natera Variant Classification Schema (03/2026). Collection method: clinical testing. Allele origin: germline.
Comment: The c.307C>T variant in GALT is a nonsense variant predicted to introduce a stop codon at amino acid 103. This variant is expected to result in nonsense mediated decay, truncation, or a dysfunctional protein product. This variant is rare in the general population with a frequency below the threshold expected for the associated phenotype(s). Given the available evidence, this variant is classified as Likely Pathogenic.

Labcorp Genetics (formerly Invitae), Labcorp
Classification: Pathogenic for Deficiency of UDPglucose-hexose-1-phosphate uridylyltransferase. Last evaluated: 2023-04-12. Review status: criteria provided, single submitter. Criteria: Invitae Variant Classification Sherloc (09022015). Collection method: clinical testing. Allele origin: germline.
Comment: This sequence change creates a premature translational stop signal (p.Gln103*) in the GALT gene. It is expected to result in an absent or disrupted protein product. Loss-of-function variants in GALT are known to be pathogenic (PMID: 22944367). This variant is not present in population databases (gnomAD no frequency). For these reasons, this variant has been classified as Pathogenic. Algorithms developed to predict the effect of sequence changes on RNA splicing suggest that this variant may disrupt the consensus splice site. ClinVar contains an entry for this variant (Variation ID: 498560). This variant has not been reported in the literature in individuals affected with GALT-related conditions.

Baylor Genetics
Classification: Likely pathogenic for Deficiency of UDPglucose-hexose-1-phosphate uridylyltransferase. Last evaluated: 2023-01-08. Review status: criteria provided, single submitter. Criteria: ACMG Guidelines, 2015. Collection method: clinical testing. Allele origin: unknown.

Eurofins Ntd Llc (ga)
Classification: Pathogenic. Last evaluated: 2016-11-15. Review status: criteria provided, single submitter. Criteria: EGL Classification Definitions 2015. Collection method: clinical testing. Allele origin: germline. Observed: 1 variant allele, 1 heterozygote.

Counsyl
Classification: Likely pathogenic for Deficiency of UDPglucose-hexose-1-phosphate uridylyltransferase. Last evaluated: 2017-12-22. Review status: no assertion criteria provided. Collection method: clinical testing. Allele origin: unknown. Not counted in ClinVar's aggregate classification.

Literature cited by the submitters: PubMed 22944367 (cited by Labcorp Genetics (formerly Invitae), Labcorp).